The following is an entry in ClinVar:

NM_004655.4(AXIN2):c.2238-19C>T

Gene: AXIN2 (axin 2; minus strand). Cytogenetic location: 17q24.1.
Variant type: single nucleotide variant.
Coding change: c.2238-19C>T on transcript NM_004655.4 (MANE Select); 19 bases into the intron before coding-DNA position 2238, C replaced by T.
Molecular consequence: intron variant.
Genome position (GRCh38, 1-based): chr17:65,534,098, G>A on the plus strand (C>T on the coding strand, the complement: AXIN2 is on the minus strand). VCF-style: chr17-65534098-G-A. GRCh37 (hg19) VCF-style: chr17-63530216-G-A.
Other names: c.2043-19C>T (NM_001363813.1).
Identifiers: ClinVar variation 2144203 (VCV002144203.5), dbSNP rs532732878, ClinGen allele CA293093275.

ClinVar aggregate classification (germline): Likely benign. Review status: criteria provided, multiple submitters, no conflicts (2 of 4 stars). 2 submissions from 2 submitters: Likely benign (2). Last evaluated 2025-10-25.

Conditions:
Oligodontia-cancer predisposition syndrome. Also called: TOOTH AGENESIS-COLORECTAL CANCER SYNDROME. Identifiers: Orphanet 300576, MedGen C1837750, MONDO:0012075, OMIM 608615. Disease mechanism: loss of function.

Allele frequency attached by ClinVar (database versions not stated): TOPMed 0.00001; gnomAD 0.00002.
gnomAD v4.1: 4 of 1,614,144 alleles (0.00025%); highest among the groups gnomAD compares: African/African-American, 0.004%; no homozygotes.

Submissions (2):

Labcorp Genetics (formerly Invitae), Labcorp
Classification: Likely benign for Oligodontia-cancer predisposition syndrome. Last evaluated: 2025-10-25. Review status: criteria provided, single submitter. Criteria: Invitae Variant Classification Sherloc (09022015). Collection method: clinical testing. Allele origin: germline.

Myriad Genetics, Inc.
Classification: Likely benign for Oligodontia-cancer predisposition syndrome. Last evaluated: 2024-07-10. Review status: criteria provided, single submitter. Criteria: Myriad Autosomal Dominant, Autosomal Recessive and X-Linked Classification Criteria (2023). Collection method: clinical testing. Allele origin: unknown.
Comment: This variant is considered likely benign. This variant is intronic and is not expected to impact mRNA splicing.